The following is an entry in ClinVar:

ClinVar aggregate classification (germline): Uncertain significance. Review status: criteria provided, multiple submitters, no conflicts (2 of 4 stars). 2 submissions from 2 submitters: Uncertain significance (2). Last evaluated 2026-07-26.

Conditions:
Cardiovascular phenotype. Identifiers: MedGen CN230736.

gnomAD v4.1: 3 of 1,614,130 alleles (0.00019%); highest among the groups gnomAD compares: Admixed American, 0.0017%; no homozygotes.

Submissions (2):

Ambry Genetics
Classification: Uncertain significance for Cardiovascular phenotype. Last evaluated: 2026-07-26. Review status: criteria provided, single submitter. Criteria: Ambry Variant Classification Scheme 2023. Collection method: clinical testing. Allele origin: germline.
Comment: The p.Y355C variant (also known as c.1064A>G), located in coding exon 2 of the KCNJ5 gene, results from an A to G substitution at nucleotide position 1064. The tyrosine at codon 355 is replaced by cysteine, an amino acid with highly dissimilar properties. This amino acid position is conserved. In addition, this alteration is predicted to be deleterious by in silico analysis. Based on the available evidence, the clinical significance of this variant remains unclear.

GeneDx
Classification: Uncertain significance. Last evaluated: 2026-02-02. Review status: criteria provided, single submitter. Criteria: GeneDx Variant Classification Process June 2021. Collection method: clinical testing. Allele origin: germline.
Comment: Not observed at significant frequency in large population cohorts (gnomAD); In silico analysis supports that this missense variant has a deleterious effect on protein structure/function; Has not been previously published as pathogenic or benign to our knowledge

NM_000890.5(KCNJ5):c.1064A>G (p.Tyr355Cys)

Gene: KCNJ5 (potassium inwardly rectifying channel subfamily J member 5; plus strand). Cytogenetic location: 11q24.3.
Variant type: single nucleotide variant.
Coding change: c.1064A>G on transcript NM_000890.5 (MANE Select); coding-DNA position 1064, A replaced by G.
Protein change: p.Tyr355Cys; replaces tyrosine 355 with cysteine.
Molecular consequence: missense variant.
Genome position (GRCh38, 1-based): chr11:128,916,535, A>G. VCF-style: chr11-128916535-A-G. GRCh37 (hg19) VCF-style: chr11-128786430-A-G.
Other names: c.1064A>G, p.Tyr355Cys (NM_001354169.2); short protein forms Y355C.
Identifiers: ClinVar variation 4975971 (VCV004975971.2).
Genomic context (GRCh38, chr11:128,916,535, plus strand): 5'-CAGTCCTCACCTTGGAAAAGGGCTTCTATGAGGTGGACTACAACACCTTCCATGATACCT[A>G]TGAGACCAACACACCCAGCTGCTGTGCCAAGGAGCTGGCAGAAATGAAGAGGGAAGGCCG-3'
Protein context (NP_000881.3, residues 345-365): EVDYNTFHDT[Tyr355Cys]ETNTPSCCAK